The following is an entry in ClinVar:

ClinVar aggregate classification (germline): Likely benign (1 of 4 stars; one submission).

Allele frequency attached by ClinVar (database versions not stated): 1000 Genomes Project 30x 0.00250; 1000 Genomes Project 0.00260; gnomAD 0.00284 and 0.00308; TOPMed 0.00334.
gnomAD v4.1: 431 of 152,160 alleles (0.28%); highest among the groups gnomAD compares: African/African-American, 0.99%; 4 homozygotes.

Submission:

GeneDx
Classification: Likely benign. Last evaluated: 2018-06-16. Review status: criteria provided, single submitter. Criteria: GeneDx Variant Classification (06012015). Collection method: clinical testing. Allele origin: germline. Affected: yes.
Comment: This variant is considered likely benign or benign based on one or more of the following criteria: it is a conservative change, it occurs at a poorly conserved position in the protein, it is predicted to be benign by multiple in silico algorithms, and/or has population frequency not consistent with disease.

NM_001256545.2(MEGF10):c.2857-329A>G

Gene: MEGF10 (multiple EGF like domains 10; plus strand). Cytogenetic location: 5q23.2.
Variant type: single nucleotide variant.
Coding change: c.2857-329A>G on transcript NM_001256545.2 (MANE Select); 329 bases into the intron before coding-DNA position 2857, A replaced by G.
Molecular consequence: intron variant.
Genome position (GRCh38, 1-based): chr5:127,448,770, A>G. VCF-style: chr5-127448770-A-G. GRCh37 (hg19) VCF-style: chr5-126784462-A-G.
Other names: c.2857-329A>G (NM_032446.3).
Identifiers: ClinVar variation 673637 (VCV000673637.1), dbSNP rs192760223, ClinGen allele CA126968933.